The following is an entry in ClinVar:

ClinVar aggregate classification (germline): Uncertain significance (1 of 4 stars; one submission).

Submission:

GeneDx
Classification: Uncertain significance. Last evaluated: 2026-04-08. Review status: criteria provided, single submitter. Criteria: GeneDx Variant Classification Process June 2021. Collection method: clinical testing. Allele origin: germline.
Comment: Occurs in the triple helical domain at the X position in the canonical Gly-X-Y repeat; although this variant may have an effect on normal protein folding and function, missense substitution at the X position is not a common mechanism of disease (HGMD); In silico analysis supports that this missense variant has a deleterious effect on protein structure/function; Not observed at significant frequency in large population cohorts (gnomAD); Has not been previously published as pathogenic or benign to our knowledge

NM_000089.4(COL1A2):c.2425C>G (p.Pro809Ala)

Gene: COL1A2 (collagen type I alpha 2 chain; plus strand). Cytogenetic location: 7q21.3.
Variant type: single nucleotide variant.
Coding change: c.2425C>G on transcript NM_000089.4 (MANE Select); coding-DNA position 2425, C replaced by G.
Protein change: p.Pro809Ala; replaces proline 809 with alanine.
Molecular consequence: missense variant.
Genome position (GRCh38, 1-based): chr7:94,422,978, C>G. VCF-style: chr7-94422978-C-G. GRCh37 (hg19) VCF-style: chr7-94052290-C-G.
Other names: short protein forms P809A.
Identifiers: ClinVar variation 4074702 (VCV004074702.2).
Genomic context (GRCh38, chr7:94,422,978, plus strand): 5'-ATTAACAGAAAGGAAATGACCTTGTACATTTGCTCATAGGGTATTTCTGGCCCTCCTGGT[C>G]CCCCTGGTCCTGCTGGGAAAGAAGGGCTTCGTGGTCCTCGTGGTGACCAAGGTCCAGTTG-3'
Protein context (NP_000080.2, residues 799-819): GPSGISGPPG[Pro809Ala]PGPAGKEGLR